The following is an entry in ClinVar:

ClinVar aggregate classification (germline): Uncertain significance (1 of 4 stars; one submission).

Conditions:
Autosomal dominant hypocalcemia 1 (HYPOC1). Also called: HYPOCALCEMIA, FAMILIAL. Identifiers: MedGen C3715128, MONDO:0011013, OMIM 601198.
Familial hypocalciuric hypercalcemia (FHH). Also called: Familial benign hypercalcemia. Identifiers: Orphanet 405, MedGen C1809471, MONDO:0018458.

Submission:

Labcorp Genetics (formerly Invitae), Labcorp
Classification: Uncertain significance for Familial hypocalciuric hypercalcemia; Autosomal dominant hypocalcemia 1. Last evaluated: 2024-12-05. Review status: criteria provided, single submitter. Criteria: Invitae Variant Classification Sherloc (09022015). Collection method: clinical testing. Allele origin: germline.
Comment: This sequence change replaces alanine, which is neutral and non-polar, with glycine, which is neutral and non-polar, at codon 214 of the CASR protein (p.Ala214Gly). This variant is not present in population databases (gnomAD no frequency). This variant has not been reported in the literature in individuals affected with CASR-related conditions. ClinVar contains an entry for this variant (Variation ID: 1981318). An algorithm developed to predict the effect of missense changes on protein structure and function (PolyPhen-2) suggests that this variant is likely to be tolerated. In summary, the available evidence is currently insufficient to determine the role of this variant in disease. Therefore, it has been classified as a Variant of Uncertain Significance.

NM_000388.4(CASR):c.641C>G (p.Ala214Gly)

Gene: CASR (calcium sensing receptor; plus strand). Cytogenetic location: 3q21.1.
Variant type: single nucleotide variant.
Coding change: c.641C>G on transcript NM_000388.4 (MANE Select); coding-DNA position 641, C replaced by G.
Protein change: p.Ala214Gly; replaces alanine 214 with glycine.
Molecular consequence: missense variant.
Genome position (GRCh38, 1-based): chr3:122,261,676, C>G. VCF-style: chr3-122261676-C-G. GRCh37 (hg19) VCF-style: chr3-121980523-C-G.
Other names: c.641C>G, p.Ala214Gly (NM_001178065.2); short protein forms A214G.
Identifiers: ClinVar variation 1981318 (VCV001981318.4), dbSNP rs2473225774, ClinGen allele CA354151030.